The following is an entry in ClinVar:

ClinVar aggregate classification (germline): Pathogenic (1 of 4 stars; one submission).

Submission:

Labcorp Genetics (formerly Invitae), Labcorp
Classification: Pathogenic. Last evaluated: 2022-10-23. Review status: criteria provided, single submitter. Criteria: Invitae Variant Classification Sherloc (09022015). Collection method: clinical testing. Allele origin: germline.
Comment: For these reasons, this variant has been classified as Pathogenic. This variant has not been reported in the literature in individuals affected with SCP2-related conditions. This variant is present in population databases (no rsID available, gnomAD 0.0009%). This sequence change creates a premature translational stop signal (p.Thr140Leufs*8) in the SCP2 gene. It is expected to result in an absent or disrupted protein product. Loss-of-function variants in SCP2 are known to be pathogenic (PMID: 16685654, 26497993).

Literature cited by the submitters: PubMed 16685654; PubMed 26497993.

NM_002979.5(SCP2):c.417del (p.Thr140fs)

Gene: SCP2 (sterol carrier protein 2; plus strand). Cytogenetic location: 1p32.3.
Variant type: Deletion.
Coding change: c.417del on transcript NM_002979.5 (MANE Select); coding-DNA position 417, one base deleted (C; older notation c.417delC).
Protein change: p.Thr140fs; shifts the reading frame from threonine 140.
Molecular consequence: frameshift variant.
Genome position (GRCh38, 1-based): chr1:52,961,523, C deleted; the last of 3 consecutive C bases (chr1:52,961,521-52,961,523); deleting any one gives the same sequence. VCF-style (leftmost placement, unchanged base first): chr1-52961520-TC-T. GRCh37 (hg19) VCF-style: chr1-53427192-TC-T.
Other names: c.285del, p.Thr96fs (NM_001007098.3, NM_001193600.2); c.345del, p.Thr116fs (NM_001193599.2); c.174del, p.Thr59fs (NM_001193617.2); c.417del, p.Thr140fs (NM_001330587.2); short protein forms T59fs, T116fs, T140fs, T96fs.
Identifiers: ClinVar variation 2035627 (VCV002035627.4), dbSNP rs910513941, ClinGen allele CA22567516.